The following is an entry in ClinVar:

ClinVar aggregate classification (germline): Conflicting classifications of pathogenicity. Review status: criteria provided, conflicting classifications (1 of 4 stars). 2 submissions from 2 submitters: Uncertain significance (1); Likely benign (1). Last evaluated 2025-07-08.

Conditions:
Boomerang dysplasia. Identifiers: Orphanet 1263, MedGen C0432201, MONDO:0007208, OMIM 112310.

Allele frequency attached by ClinVar (database versions not stated): ExAC 0.00002; gnomAD exomes 0.00002; TOPMed 0.00004; gnomAD 0.00006 and 0.00005.

Submissions (2):

Labcorp Genetics (formerly Invitae), Labcorp
Classification: Uncertain significance. Last evaluated: 2025-07-08. Review status: criteria provided, single submitter. Criteria: Invitae Variant Classification Sherloc (09022015). Collection method: clinical testing. Allele origin: germline.
Comment: This sequence change replaces glycine, which is neutral and non-polar, with arginine, which is basic and polar, at codon 565 of the FLNB protein (p.Gly565Arg). This variant is present in population databases (rs754869116, gnomAD 0.006%). This missense change has been observed in individual(s) with non-syndromic orofacial clefts (PMID: 37003352). ClinVar contains an entry for this variant (Variation ID: 1047487). Invitae Evidence Modeling of protein sequence and biophysical properties (such as structural, functional, and spatial information, amino acid conservation, physicochemical variation, residue mobility, and thermodynamic stability) has been performed for this missense variant. However, the output from this modeling did not meet the statistical confidence thresholds required to predict the impact of this variant on FLNB protein function. Experimental studies have shown that this missense change affects FLNB function (PMID: 37003352). In summary, the available evidence is currently insufficient to determine the role of this variant in disease. Therefore, it has been classified as a Variant of Uncertain Significance.

Laboratory of Medical Genetics, National & Kapodistrian University of Athens
Classification: Likely benign for Boomerang dysplasia. Last evaluated: 2022-03-23. Review status: criteria provided, single submitter. Criteria: ACMG Guidelines, 2015. Collection method: clinical testing. Allele origin: paternal. Affected: yes.
Comment: PM2, PP3, BS2

Literature cited by the submitters: PubMed 37003352 (cited by Labcorp Genetics (formerly Invitae), Labcorp).

NM_001457.4(FLNB):c.1693G>A (p.Gly565Arg)

Gene: FLNB (filamin B; plus strand). Cytogenetic location: 3p14.3.
Variant type: single nucleotide variant.
Coding change: c.1693G>A on transcript NM_001457.4 (MANE Select); coding-DNA position 1693, G replaced by A.
Protein change: p.Gly565Arg; replaces glycine 565 with arginine.
Molecular consequence: missense variant.
Genome position (GRCh38, 1-based): chr3:58,105,162, G>A. VCF-style: chr3-58105162-G-A. GRCh37 (hg19) VCF-style: chr3-58090889-G-A.
Other names: c.1693G>A, p.Gly565Arg (NM_001164317.2, NM_001164318.2, NM_001164319.2); short protein forms G565R.
Identifiers: ClinVar variation 1047487 (VCV001047487.6), dbSNP rs754869116, ClinGen allele CA2467899.
Genomic context (GRCh38, chr3:58,105,162, plus strand): 5'-CCTGAAGCGGGTATGCAGAAAGTCCGTGCTTGGGGCCCTGGGCTCCATGGTGGGATTGTC[G>A]GGCGGTCAGCGGACTTCGTGGTAGAATCCATTGGCTCTGAAGTGGGGTCTCTGGGTAAGT-3'
Protein context (NP_001448.2, residues 555-575): WGPGLHGGIV[Gly565Arg]RSADFVVESI